The following is an entry in ClinVar:

NM_000038.6(APC):c.4385A>T (p.Lys1462Met)

Gene: APC (APC regulator of Wnt signaling pathway; plus strand). Cytogenetic location: 5q22.2.
Variant type: single nucleotide variant.
Coding change: c.4385A>T on transcript NM_000038.6 (MANE Select); coding-DNA position 4385, A replaced by T.
Protein change: p.Lys1462Met; replaces lysine 1462 with methionine.
Molecular consequence: missense variant.
Genome position (GRCh38, 1-based): chr5:112,839,979, A>T. VCF-style: chr5-112839979-A-T. GRCh37 (hg19) VCF-style: chr5-112175676-A-T.
Other names: c.4385A>T, p.Lys1462Met (NM_001127510.3, NM_001354895.2); c.4331A>T, p.Lys1444Met (NM_001127511.3); c.4439A>T, p.Lys1480Met (NM_001354896.2); c.4415A>T, p.Lys1472Met (NM_001354897.2); c.4310A>T, p.Lys1437Met (NM_001354898.2); c.4301A>T, p.Lys1434Met (NM_001354899.2); c.4262A>T, p.Lys1421Met (NM_001354900.2); c.4208A>T, p.Lys1403Met (NM_001354901.2); and 5 more; short protein forms K1480M, K1302M, K1371M, K1434M, K1437M, K1444M, K1179M, K1336M.
Identifiers: ClinVar variation 1398164 (VCV001398164.8), dbSNP rs2149913416, ClinGen allele CA16030933.

ClinVar aggregate classification (germline): Uncertain significance (1 of 4 stars; one submission).

Conditions:
Familial adenomatous polyposis 1 (FAP1). Also called: FAMILIAL ADENOMATOUS POLYPOSIS 1, ATTENUATED; POLYPOSIS, ADENOMATOUS INTESTINAL. Identifiers: MedGen C2713442, MONDO:0021056, OMIM 175100. Disease mechanism: loss of function.

Submission:

Labcorp Genetics (formerly Invitae), Labcorp
Classification: Uncertain significance for Familial adenomatous polyposis 1. Last evaluated: 2025-09-17. Review status: criteria provided, single submitter. Criteria: Invitae Variant Classification Sherloc (09022015). Collection method: clinical testing. Allele origin: germline.
Comment: This sequence change replaces lysine, which is basic and polar, with methionine, which is neutral and non-polar, at codon 1462 of the APC protein (p.Lys1462Met). This variant is not present in population databases (gnomAD no frequency). This variant has not been reported in the literature in individuals affected with APC-related conditions. ClinVar contains an entry for this variant (Variation ID: 1398164). Invitae Evidence Modeling of protein sequence and biophysical properties (such as structural, functional, and spatial information, amino acid conservation, physicochemical variation, residue mobility, and thermodynamic stability) indicates that this missense variant is not expected to disrupt APC protein function with a negative predictive value of 95%. In summary, the available evidence is currently insufficient to determine the role of this variant in disease. Therefore, it has been classified as a Variant of Uncertain Significance.